The following is an entry in ClinVar:

ClinVar aggregate classification (germline): Conflicting classifications of pathogenicity. Review status: criteria provided, conflicting classifications (1 of 4 stars). 4 submissions from 4 submitters: Uncertain significance (1); Benign (1); Likely benign (2). Last evaluated 2026-02-01.

Conditions:
COL6A2-related disorder.
Bethlem myopathy 1A. Also called: Bethlem myopathy 1; Bethlem Muscular Dystrophy; MYOPATHY, BENIGN CONGENITAL, WITH CONTRACTURES. Identifiers: Orphanet 610, MedGen CN029274, MONDO:0024530, OMIM 158810.

Allele frequency attached by ClinVar (database versions not stated): ExAC 0.00013; gnomAD exomes 0.00024; gnomAD 0.00031 and 0.00034; TOPMed 0.00034; ESP Exome Variant Server 0.00039; 1000 Genomes Project 30x 0.00047; 1000 Genomes Project 0.00060.
gnomAD v4.1: 153 of 1,570,150 alleles (0.0097%); highest among the groups gnomAD compares: African/African-American, 0.091%; no homozygotes.

Submissions (4):

Labcorp Genetics (formerly Invitae), Labcorp
Classification: Benign for Bethlem myopathy 1A. Last evaluated: 2026-02-01. Review status: criteria provided, single submitter. Criteria: Invitae Variant Classification Sherloc (09022015). Collection method: clinical testing. Allele origin: germline.

CeGaT Center for Human Genetics Tuebingen
Classification: Likely benign. Last evaluated: 2025-06-01. Review status: criteria provided, single submitter. Criteria: CeGaT Center For Human Genetics Tuebingen Variant Classification Criteria Version 2. Collection method: clinical testing. Allele origin: germline. Affected: yes. Observed: 1 variant allele.
Comment: COL6A2: BP4, BP7

PreventionGenetics, part of Exact Sciences
Classification: Likely benign for COL6A2-related condition. Last evaluated: 2025-03-19. Review status: criteria provided, single submitter. Criteria: ACMG Guidelines, 2015. Collection method: clinical testing. Allele origin: germline.
Comment: This variant is classified as likely benign based on ACMG/AMP sequence variant interpretation guidelines (Richards et al. 2015 PMID: 25741868, with internal and published modifications).

Eurofins Ntd Llc (ga)
Classification: Uncertain significance. Last evaluated: 2018-01-07. Review status: criteria provided, single submitter. Criteria: EGL Classification Definitions 2015. Collection method: clinical testing. Allele origin: germline. Observed: 2 variant alleles, 2 heterozygotes.

NM_001849.4(COL6A2):c.2658C>T (p.Gly886=)

Gene: COL6A2 (collagen type VI alpha 2 chain; plus strand). Cytogenetic location: 21q22.3.
Variant type: single nucleotide variant.
Coding change: c.2658C>T on transcript NM_001849.4 (MANE Select); coding-DNA position 2658, C replaced by T.
Protein change: p.Gly886=; no amino-acid change (glycine 886 retained).
Molecular consequence: synonymous variant.
Genome position (GRCh38, 1-based): chr21:46,132,150, C>T. VCF-style: chr21-46132150-C-T. GRCh37 (hg19) VCF-style: chr21-47552064-C-T.
Other names: c.2658C>T (NM_001849.3).
Identifiers: ClinVar variation 289933 (VCV000289933.21), dbSNP rs143168888, ClinGen allele CA10072968.